The following is an entry in ClinVar:

NM_004186.5(SEMA3F):c.2163C>T (p.Gly721=)

Gene: SEMA3F (semaphorin 3F; plus strand). Cytogenetic location: 3p21.31.
Variant type: single nucleotide variant.
Coding change: c.2163C>T on transcript NM_004186.5 (MANE Select); coding-DNA position 2163, C replaced by T.
Protein change: p.Gly721=; no amino-acid change (glycine 721 retained).
Molecular consequence: synonymous variant.
Genome position (GRCh38, 1-based): chr3:50,187,920, C>T. VCF-style: chr3-50187920-C-T. GRCh37 (hg19) VCF-style: chr3-50225353-C-T.
Other names: c.1866C>T, p.Gly622= (NM_001318798.2); c.2070C>T, p.Gly690= (NM_001318800.2).
Identifiers: ClinVar variation 5001844 (VCV005001844.1).
Genomic context (GRCh38, chr3:50,187,920, plus strand): 5'-CGTCCATGCTGCCCTCTTCCCACCACTGTCCATGAGCGCCCCGCCACCCCCAGGCGCAGG[C>T]CCCCCAACGCCTCCTTACCAGGAGTTAGCCCAGCTGCTGGCCCAGCCAGAAGTGGGCCTC-3'
Protein context (NP_004177.3, residues 711-731): SMSAPPPPGA[Gly721=]PPTPPYQELA

ClinVar aggregate classification (germline): Likely benign (1 of 4 stars; one submission).

Conditions:
SEMA3F-related disorder. Also called: SEMA3F-related condition.

Submission:

PreventionGenetics, part of Exact Sciences
Classification: Likely benign for SEMA3F-related condition. Last evaluated: 2025-11-17. Review status: criteria provided, single submitter. Criteria: ACMG Guidelines, 2015. Collection method: clinical testing. Allele origin: germline.
Comment: This variant is classified as likely benign based on ACMG/AMP sequence variant interpretation guidelines (Richards et al. 2015 PMID: 25741868, with internal and published modifications).